The following is an entry in ClinVar:

NM_006269.2(RP1):c.5375C>G (p.Ala1792Gly)

Genes: RP1 (RP1 axonemal microtubule associated; plus strand), LOC126860392 (CDK7 strongly-dependent group 2 enhancer GRCh37_chr8:55541319-55542518; plus strand). Cytogenetic location: 8q12.1.
Variant type: single nucleotide variant.
Coding change: c.5375C>G on transcript NM_006269.2 (MANE Select); coding-DNA position 5375, C replaced by G.
Protein change: p.Ala1792Gly; replaces alanine 1792 with glycine.
Molecular consequence: missense variant.
Genome position (GRCh38, 1-based): chr8:54,629,257, C>G. VCF-style: chr8-54629257-C-G. GRCh37 (hg19) VCF-style: chr8-55541817-C-G.
Other names: short protein forms A1792G.
Identifiers: ClinVar variation 426622 (VCV000426622.17), dbSNP rs780301238, ClinGen allele CA4752053.

ClinVar aggregate classification (germline): Conflicting classifications of pathogenicity. Review status: criteria provided, conflicting classifications (1 of 4 stars). 6 submissions from 6 submitters: Uncertain significance (4); Likely benign (1). 1 of the submissions does not count toward it. Last evaluated 2026-07-07.

Conditions:
Visual impairment. Also called: Impaired vision; vision problems. Identifiers: MedGen C3665347, HP:0000505.
Retinal dystrophy. Also called: Inherited retinal dystrophy. Identifiers: Orphanet 71862, MedGen C0854723, MeSH D058499, MONDO:0019118, HP:0000556.
Retinal pigment epithelial atrophy. Identifiers: MedGen C1840457, HP:0007722.
RP1-related disorder. Also called: RP1-related condition.
Optic atrophy. Identifiers: MedGen C0029124, MONDO:0003608, HP:0000648.

Allele frequency attached by ClinVar (database versions not stated): TOPMed 0.00018; gnomAD 0.00035.
gnomAD v4.1: 262 of 1,613,680 alleles (0.016%); highest among the groups gnomAD compares: Non-Finnish European, 0.021%; no homozygotes.

Submissions (6):

PreventionGenetics, part of Exact Sciences
Classification: Uncertain significance for RP1-related condition. Last evaluated: 2026-07-07. Review status: criteria provided, single submitter. Criteria: ACMG Guidelines, 2015. Collection method: clinical testing. Allele origin: germline.
Comment: The RP1 c.5375C>G variant is predicted to result in the amino acid substitution p.Ala1792Gly. This variant has been reported in an individual with retinitis pigmentosa and family history of retinitis pigmentosa with variable penetrance (Kellner et al. 2008. PubMed ID: 18791550); however, it is not clear whether the other family members were tested. This variant is reported in 0.040% of alleles in individuals of European (Non-Finnish) descent in gnomAD. At this time, the clinical significance of this variant is uncertain due to the absence of conclusive functional and genetic evidence.

Labcorp Genetics (formerly Invitae), Labcorp
Classification: Uncertain significance. Last evaluated: 2025-11-18. Review status: criteria provided, single submitter. Criteria: Invitae Variant Classification Sherloc (09022015). Collection method: clinical testing. Allele origin: germline.
Comment: This sequence change replaces alanine, which is neutral and non-polar, with glycine, which is neutral and non-polar, at codon 1792 of the RP1 protein (p.Ala1792Gly). This variant is present in population databases (rs780301238, gnomAD 0.04%). This missense change has been observed in individual(s) with clinical features of retinitis pigmentosa (PMID: 18791550; internal data). ClinVar contains an entry for this variant (Variation ID: 426622). An algorithm developed to predict the effect of missense changes on protein structure and function outputs the following: PolyPhen-2: "Benign". The glycine amino acid residue is found in multiple mammalian species, which suggests that this missense change does not adversely affect protein function. In summary, the available evidence is currently insufficient to determine the role of this variant in disease. Therefore, it has been classified as a Variant of Uncertain Significance.

Blueprint Genetics
Classification: Likely benign. Last evaluated: 2024-10-01. Review status: criteria provided, single submitter. Criteria: ACMG Guidelines, 2015. Collection method: clinical testing. Allele origin: germline.

GeneDx
Classification: Uncertain significance. Last evaluated: 2019-02-19. Review status: criteria provided, single submitter. Criteria: GeneDx Variant Classification Process June 2021. Collection method: clinical testing. Allele origin: germline. Affected: yes.
Comment: Identified in a family with autosomal dominant retinitis pigmentosa with reduced penetrance; however it is unknown whether this family was screened for variants in other genes associated with retinitis pigmentosa (Kellner et al., 2009); In silico analysis, which includes protein predictors and evolutionary conservation, supports that this variant does not alter protein structure/function; This variant is associated with the following publications: (PMID: 18791550)

Centre for Mendelian Genomics, University Medical Centre Ljubljana
Classification: Uncertain significance for Retinal dystrophy; Retinal pigment epithelial atrophy; Visual impairment. Last evaluated: 2017-01-01. Review status: criteria provided, single submitter. Criteria: ACMG Guidelines, 2015. Collection method: clinical testing. Allele origin: unknown. Affected: yes.

Institute of Human Genetics, Univ. Regensburg, Univ. Regensburg
Classification: Uncertain significance for Optic atrophy. Last evaluated: 2022-01-01. Review status: no assertion criteria provided. Criteria: ACMG Guidelines, 2015. Collection method: clinical testing. Allele origin: germline. Affected: yes. Not counted in ClinVar's aggregate classification.

Literature cited by the submitters: PubMed 18791550 (cited by Labcorp Genetics (formerly Invitae), Labcorp).